The following is an entry in ClinVar:

ClinVar aggregate classification (germline): Uncertain significance (1 of 4 stars; one submission).

gnomAD v4.1: 17 of 1,610,212 alleles (0.0011%); highest among the groups gnomAD compares: East Asian, 0.0022%; no homozygotes.

Submission:

Labcorp Genetics (formerly Invitae), Labcorp
Classification: Uncertain significance. Last evaluated: 2024-11-11. Review status: criteria provided, single submitter. Criteria: Invitae Variant Classification Sherloc (09022015). Collection method: clinical testing. Allele origin: germline.
Comment: This sequence change replaces glutamic acid, which is acidic and polar, with lysine, which is basic and polar, at codon 771 of the LAMC3 protein (p.Glu771Lys). This variant is present in population databases (rs779371261, gnomAD 0.006%). This variant has not been reported in the literature in individuals affected with LAMC3-related conditions. An algorithm developed to predict the effect of missense changes on protein structure and function (PolyPhen-2) suggests that this variant is likely to be disruptive. In summary, the available evidence is currently insufficient to determine the role of this variant in disease. Therefore, it has been classified as a Variant of Uncertain Significance.

NM_006059.4(LAMC3):c.2311G>A (p.Glu771Lys)

Gene: LAMC3 (laminin subunit gamma 3; plus strand). Cytogenetic location: 9q34.12.
Variant type: single nucleotide variant.
Coding change: c.2311G>A on transcript NM_006059.4 (MANE Select); coding-DNA position 2311, G replaced by A.
Protein change: p.Glu771Lys; replaces glutamic acid 771 with lysine.
Molecular consequence: missense variant.
Genome position (GRCh38, 1-based): chr9:131,061,187, G>A. VCF-style: chr9-131061187-G-A. GRCh37 (hg19) VCF-style: chr9-133936574-G-A.
Other names: short protein forms E771K.
Identifiers: ClinVar variation 3609232 (VCV003609232.2).